The following is an entry in ClinVar:

ClinVar aggregate classification (germline): Uncertain significance (1 of 4 stars; one submission).

Allele frequency attached by ClinVar (database versions not stated): gnomAD 0.00002; gnomAD exomes 0.00002 and 0.00003; TOPMed 0.00002; ExAC 0.00004.
gnomAD v4.1: 36 of 1,613,984 alleles (0.0022%); highest among the groups gnomAD compares: East Asian, 0.0045%; no homozygotes.

Submission:

Labcorp Genetics (formerly Invitae), Labcorp
Classification: Uncertain significance. Last evaluated: 2021-05-03. Review status: criteria provided, single submitter. Criteria: Invitae Variant Classification Sherloc (09022015). Collection method: clinical testing. Allele origin: germline.
Comment: In summary, the available evidence is currently insufficient to determine the role of this variant in disease. Therefore, it has been classified as a Variant of Uncertain Significance. Algorithms developed to predict the effect of missense changes on protein structure and function (SIFT, PolyPhen-2, Align-GVGD) all suggest that this variant is likely to be tolerated, but these predictions have not been confirmed by published functional studies and their clinical significance is uncertain. This variant has not been reported in the literature in individuals with CENPJ-related conditions. This variant is present in population databases (rs576775053, ExAC 0.009%). This sequence change replaces arginine with cysteine at codon 692 of the CENPJ protein (p.Arg692Cys). The arginine residue is weakly conserved and there is a large physicochemical difference between arginine and cysteine.

NM_018451.5(CPAP):c.2074C>T (p.Arg692Cys)

Gene: CPAP (centrosome assembly and centriole elongation protein; minus strand). Cytogenetic location: 13q12.13.
Variant type: single nucleotide variant.
Coding change: c.2074C>T on transcript NM_018451.5 (MANE Select); coding-DNA position 2074, C replaced by T.
Protein change: p.Arg692Cys; replaces arginine 692 with cysteine.
Molecular consequence: missense variant. On other transcripts: non-coding transcript variant (2).
Genome position (GRCh38, 1-based): chr13:24,905,964, G>A on the plus strand (C>T on the coding strand, the complement: CPAP is on the minus strand). VCF-style: chr13-24905964-G-A. GRCh37 (hg19) VCF-style: chr13-25480102-G-A.
Other names: short protein forms R692C.
Identifiers: ClinVar variation 1423075 (VCV001423075.8), dbSNP rs576775053, ClinGen allele CA6919656.
Genomic context (GRCh38, chr13:24,905,964, plus strand): 5'-CATCAAGCTGTTCCTCAGAGTCAGTGCTACTGTCACTATTTGGAACACCTTCATCGTCAC[G>A]TGCATTCCATTCAGTCTGATTTTCAGAAGTGCTCTTTTGGACGGCTTTCCTGATTTTACA-3'
Protein context (NP_060921.3, residues 682-702): TSENQTEWNA[Arg692Cys]DDEGVPNSDS